The following is an entry in ClinVar:

NM_000130.5(F5):c.4676A>G (p.Asn1559Ser)

Gene: F5 (coagulation factor V; minus strand). Cytogenetic location: 1q24.2.
Variant type: single nucleotide variant.
Coding change: c.4676A>G on transcript NM_000130.5 (MANE Select); coding-DNA position 4676, A replaced by G.
Protein change: p.Asn1559Ser; replaces asparagine 1559 with serine.
Molecular consequence: missense variant.
Genome position (GRCh38, 1-based): chr1:169,540,414, T>C on the plus strand (A>G on the coding strand, the complement: F5 is on the minus strand). VCF-style: chr1-169540414-T-C. GRCh37 (hg19) VCF-style: chr1-169509652-T-C.
Other names: short protein forms N1559S.
Identifiers: ClinVar variation 1742353 (VCV001742353.3), dbSNP rs201931929, ClinGen allele CA1233667.

ClinVar aggregate classification (germline): Uncertain significance. Review status: criteria provided, multiple submitters, no conflicts (2 of 4 stars). 2 submissions from 2 submitters: Uncertain significance (2). Last evaluated 2024-12-24.

Conditions:
Inborn genetic diseases. Identifiers: MedGen C0950123, MeSH D030342.
Congenital factor V deficiency. Also called: OWREN PARAHEMOPHILIA; PARAHEMOPHILIA; LABILE FACTOR DEFICIENCY; Hereditary factor V deficiency disease. Identifiers: Orphanet 326, MedGen C0015499, MONDO:0009210, OMIM 227400.

Allele frequency attached by ClinVar (database versions not stated): 1000 Genomes Project 30x 0.00016; 1000 Genomes Project 0.00020.
gnomAD v4.1: 14 of 1,613,936 alleles (0.00087%); highest among the groups gnomAD compares: Admixed American, 0.012%; no homozygotes.

Submissions (2):

Labcorp Genetics (formerly Invitae), Labcorp
Classification: Uncertain significance for Congenital factor V deficiency. Last evaluated: 2024-12-24. Review status: criteria provided, single submitter. Criteria: Invitae Variant Classification Sherloc (09022015). Collection method: clinical testing. Allele origin: germline.
Comment: This sequence change replaces asparagine, which is neutral and polar, with serine, which is neutral and polar, at codon 1559 of the F5 protein (p.Asn1559Ser). This variant is present in population databases (rs201931929, gnomAD 0.003%). This variant has not been reported in the literature in individuals affected with F5-related conditions. ClinVar contains an entry for this variant (Variation ID: 1742353). Invitae Evidence Modeling of protein sequence and biophysical properties (such as structural, functional, and spatial information, amino acid conservation, physicochemical variation, residue mobility, and thermodynamic stability) indicates that this missense variant is not expected to disrupt F5 protein function with a negative predictive value of 95%. In summary, the available evidence is currently insufficient to determine the role of this variant in disease. Therefore, it has been classified as a Variant of Uncertain Significance.

Ambry Genetics
Classification: Uncertain significance for Inborn genetic diseases. Last evaluated: 2024-01-16. Review status: criteria provided, single submitter. Criteria: Ambry Variant Classification Scheme 2023. Collection method: clinical testing. Allele origin: germline.